The following is an entry in ClinVar:

NM_016203.4(PRKAG2):c.1107-3C>T

Gene: PRKAG2 (protein kinase AMP-activated non-catalytic subunit gamma 2; minus strand). Cytogenetic location: 7q36.1.
Variant type: single nucleotide variant.
Coding change: c.1107-3C>T on transcript NM_016203.4 (MANE Select); 3 bases into the intron before coding-DNA position 1107, C replaced by T.
Molecular consequence: intron variant.
Genome position (GRCh38, 1-based): chr7:151,568,845, G>A on the plus strand (C>T on the coding strand, the complement: PRKAG2 is on the minus strand). VCF-style: chr7-151568845-G-A. GRCh37 (hg19) VCF-style: chr7-151265931-G-A.
Other names: c.975-3C>T (NM_001040633.2); c.732-3C>T (NM_001304527.2); c.735-3C>T (NM_001363698.2); c.384-3C>T (NM_001304531.2, NM_024429.2).
Identifiers: ClinVar variation 1063589 (VCV001063589.10), dbSNP rs2151008803, ClinGen allele CA2499218820.

ClinVar aggregate classification (germline): Uncertain significance. Review status: criteria provided, multiple submitters, no conflicts (2 of 4 stars). 2 submissions from 2 submitters: Uncertain significance (2). Last evaluated 2024-09-06.

Conditions:
Hypertrophic cardiomyopathy. Also called: HYPERTROPHIC MYOCARDIOPATHY. Identifiers: Orphanet 217569, MedGen C0007194, MeSH D002312, MONDO:0005045, HP:0001639.
Lethal congenital glycogen storage disease of heart. Also called: PHOSPHORYLASE KINASE DEFICIENCY OF HEART; GLYCOGEN STORAGE DISEASE OF HEART. Identifiers: Orphanet 439854, MedGen C1849813, MONDO:0009867, OMIM 261740.

gnomAD v4.1: 1 of 1,613,678 alleles (0.000062%); highest among the groups gnomAD compares: Non-Finnish European, 0.000085%; no homozygotes.

Submissions (2):

Labcorp Genetics (formerly Invitae), Labcorp
Classification: Uncertain significance for Lethal congenital glycogen storage disease of heart. Last evaluated: 2024-09-06. Review status: criteria provided, single submitter. Criteria: Invitae Variant Classification Sherloc (09022015). Collection method: clinical testing. Allele origin: germline.
Comment: This sequence change falls in intron 10 of the PRKAG2 gene. It does not directly change the encoded amino acid sequence of the PRKAG2 protein. It affects a nucleotide within the consensus splice site. This variant is not present in population databases (gnomAD no frequency). This variant has not been reported in the literature in individuals affected with PRKAG2-related conditions. ClinVar contains an entry for this variant (Variation ID: 1063589). Variants that disrupt the consensus splice site are a relatively common cause of aberrant splicing (PMID: 17576681, 9536098). Algorithms developed to predict the effect of sequence changes on RNA splicing suggest that this variant is not likely to affect RNA splicing. In summary, the available evidence is currently insufficient to determine the role of this variant in disease. Therefore, it has been classified as a Variant of Uncertain Significance.

All of Us Research Program, National Institutes of Health
Classification: Uncertain significance for Hypertrophic cardiomyopathy. Last evaluated: 2024-05-14. Review status: criteria provided, single submitter. Criteria: ACMG Guidelines, 2015. Collection method: clinical testing. Allele origin: germline. Inheritance: Autosomal dominant inheritance. Observed: 3 variant alleles, 3 heterozygotes.
Comment: This variant causes a C to T nucleotide substitution at the -3 position of intron 10 of the PRKAG2 gene. Splice site prediction tools suggest that this variant may not impact RNA splicing. To our knowledge, RNA studies have not been reported for this variant. This variant has not been reported in individuals affected with PRKAG2-related disorders in the literature. This variant has not been identified in the general population by the Genome Aggregation Database (gnomAD). The available evidence is insufficient to determine the role of this variant in disease conclusively. Therefore, this variant is classified as a Variant of Uncertain Significance.

This study involves interpretation of variants in research participants for the purpose of population health screening. Participant phenotype was not available at the time of variant classification. Additional details can be found in publication PMID: 35346344, PMCID: PMC8962531

Literature cited by the submitters: PubMed 17576681 (cited by Labcorp Genetics (formerly Invitae), Labcorp); PubMed 9536098 (cited by Labcorp Genetics (formerly Invitae), Labcorp).